The following is an entry in ClinVar:

ClinVar aggregate classification (germline): Conflicting classifications of pathogenicity. Review status: criteria provided, conflicting classifications (1 of 4 stars). 13 submissions from 13 submitters: Uncertain significance (1); Benign (3); Likely benign (6). 3 of the submissions do not count toward it. Last evaluated 2026-07-01.

Conditions:
DHCR7-related disorder. Also called: DHCR7-related condition.
Smith-Lemli-Opitz syndrome (SLOS). Also called: LETHAL ACRODYSGENITAL SYNDROME; 7-Dehydrocholesterol reductase deficiency; POLYDACTYLY, SEX REVERSAL, RENAL HYPOPLASIA, AND UNILOBAR LUNG; RSH SYNDROME; RUTLEDGE LETHAL MULTIPLE CONGENITAL ANOMALY SYNDROME. Identifiers: Orphanet 818, MedGen C0175694, MONDO:0010035, OMIM 270400.

Allele frequency attached by ClinVar (database versions not stated): 1000 Genomes Project 30x 0.00047; 1000 Genomes Project 0.00060; TOPMed 0.00162; gnomAD 0.00183 and 0.00189; gnomAD exomes 0.00204 and 0.00292; ESP Exome Variant Server 0.00262; ExAC 0.00383.
gnomAD v4.1: 4,502 of 1,606,646 alleles (0.28%); highest among the groups gnomAD compares: Non-Finnish European, 0.35%; 10 homozygotes.

Submissions (13):

CeGaT Center for Human Genetics Tuebingen
Classification: Likely benign. Last evaluated: 2026-07-01. Review status: criteria provided, single submitter. Criteria: CeGaT Center For Human Genetics Tuebingen Variant Classification Criteria Version 2. Collection method: clinical testing. Allele origin: germline. Affected: yes. Observed: 6 variant alleles.
Comment: DHCR7: BS2

PreventionGenetics, part of Exact Sciences
Classification: Likely benign for DHCR7-related condition. Last evaluated: 2026-03-26. Review status: criteria provided, single submitter. Criteria: ACMG Guidelines, 2015. Collection method: clinical testing. Allele origin: germline.
Comment: This variant is classified as likely benign based on ACMG/AMP sequence variant interpretation guidelines (Richards et al. 2015 PMID: 25741868, with internal and published modifications).

Labcorp Genetics (formerly Invitae), Labcorp
Classification: Benign for Smith-Lemli-Opitz syndrome. Last evaluated: 2026-01-31. Review status: criteria provided, single submitter. Criteria: Invitae Variant Classification Sherloc (09022015). Collection method: clinical testing. Allele origin: germline.

Mayo Clinic Laboratories, Mayo Clinic
Classification: Likely benign. Last evaluated: 2025-06-25. Review status: criteria provided, single submitter. Criteria: ACMG Guidelines, 2015. Collection method: clinical testing. Allele origin: germline. Observed: 3 variant alleles.
Comment: BS1, BP4, BP7

Blueprint Genetics
Classification: Likely benign. Last evaluated: 2024-11-25. Review status: criteria provided, single submitter. Criteria: ACMG Guidelines, 2015. Collection method: clinical testing. Allele origin: germline.

ARUP Laboratories, Molecular Genetics and Genomics, ARUP Laboratories
Classification: Benign for Smith-Lemli-Opitz syndrome. Last evaluated: 2018-12-20. Review status: criteria provided, single submitter. Criteria: ARUP Molecular Germline Variant Investigation Process. Collection method: clinical testing. Allele origin: germline.

Illumina Laboratory Services, Illumina
Classification: Uncertain significance for Smith-Lemli-Opitz syndrome. Last evaluated: 2018-01-13. Review status: criteria provided, single submitter. Criteria: ICSL Variant Classification Criteria 13 December 2019. Collection method: clinical testing. Allele origin: germline.

GeneDx
Classification: Likely benign. Last evaluated: 2017-09-21. Review status: criteria provided, single submitter. Criteria: GeneDx Variant Classification (06012015). Collection method: clinical testing. Allele origin: germline. Affected: yes.
Comment: This variant is considered likely benign or benign based on one or more of the following criteria: it is a conservative change, it occurs at a poorly conserved position in the protein, it is predicted to be benign by multiple in silico algorithms, and/or has population frequency not consistent with disease.

Genetic Services Laboratory, University of Chicago
Classification: Likely benign. Last evaluated: 2015-11-11. Review status: criteria provided, single submitter. Criteria: ACMG Guidelines, 2015. Collection method: clinical testing. Allele origin: germline. Affected: no.

Eurofins Ntd Llc (ga)
Classification: Benign. Last evaluated: 2013-05-10. Review status: criteria provided, single submitter. Criteria: EGL Classification Definitions 2015. Collection method: clinical testing. Allele origin: germline. Observed: 2 variant alleles, 2 heterozygotes.

Natera, Inc.
Classification: Likely benign for Smith-Lemli-Opitz syndrome. Last evaluated: 2017-05-05. Review status: no assertion criteria provided. Collection method: clinical testing. Allele origin: germline. Not counted in ClinVar's aggregate classification.

Clinical Genetics DNA and cytogenetics Diagnostics Lab, Erasmus MC, Erasmus Medical Center
Classification: Likely benign. Review status: no assertion criteria provided. Collection method: clinical testing. Allele origin: germline. Affected: yes. Study: VKGL Data-share Consensus. Not counted in ClinVar's aggregate classification.

Genome Diagnostics Laboratory, University Medical Center Utrecht
Classification: Likely benign. Review status: no assertion criteria provided. Collection method: clinical testing. Allele origin: germline. Affected: yes. Study: VKGL Data-share Consensus. Not counted in ClinVar's aggregate classification.

Literature cited by the submitters: PubMed 25040602 (cited by Mayo Clinic Laboratories, Mayo Clinic).

NM_001360.3(DHCR7):c.321+10C>T

Gene: DHCR7 (7-dehydrocholesterol reductase; minus strand). Cytogenetic location: 11q13.4.
Variant type: single nucleotide variant.
Coding change: c.321+10C>T on transcript NM_001360.3 (MANE Select); 10 bases into the intron after coding-DNA position 321, C replaced by T.
Molecular consequence: intron variant.
Genome position (GRCh38, 1-based): chr11:71,443,983, G>A on the plus strand (C>T on the coding strand, the complement: DHCR7 is on the minus strand). VCF-style: chr11-71443983-G-A. GRCh37 (hg19) VCF-style: chr11-71155029-G-A.
Other names: p.?; c.321+10C>T (NM_001163817.2).
Identifiers: ClinVar variation 93717 (VCV000093717.71), dbSNP rs377108406, ClinGen allele CA147248.